The following is an entry in ClinVar:

NM_000179.3(MSH6):c.594G>T (p.Glu198Asp)

Gene: MSH6 (mutS homolog 6; plus strand). Cytogenetic location: 2p16.3.
Variant type: single nucleotide variant.
Coding change: c.594G>T on transcript NM_000179.3 (MANE Select); coding-DNA position 594, G replaced by T.
Protein change: p.Glu198Asp; replaces glutamic acid 198 with aspartic acid.
Molecular consequence: missense variant. On other transcripts: 5 prime UTR variant (2), non-coding transcript variant (5), intron variant (8).
Genome position (GRCh38, 1-based): chr2:47,796,030, G>T. VCF-style: chr2-47796030-G-T. GRCh37 (hg19) VCF-style: chr2-48023169-G-T.
Other names: c.-309G>T (NM_001281494.2); c.690G>T, p.Glu230Asp (NM_001406795.1, NM_001406802.1); c.594G>T, p.Glu198Asp (NM_001406796.1, NM_001406798.1, NM_001406800.1 and 5 more transcripts); c.297G>T, p.Glu99Asp (NM_001406797.1, NM_001406801.1, NM_001406805.1 and 10 more transcripts); c.69G>T, p.Glu23Asp (NM_001406799.1, NM_001406806.1, NM_001406807.1); c.516G>T, p.Glu172Asp (NM_001406804.1); c.600G>T, p.Glu200Asp (NM_001406813.1); c.-401G>T (NM_001406814.1); and 3 more; short protein forms E142D, E172D, E198D, E200D, E230D, E23D, E99D.
Identifiers: ClinVar variation 4860427 (VCV004860427.1).

ClinVar aggregate classification (germline): Uncertain significance (1 of 4 stars; one submission).

Conditions:
Hereditary cancer-predisposing syndrome. Also called: Neoplastic Syndromes, Hereditary; Tumor predisposition; Hereditary Cancer Syndrome; Hereditary neoplastic syndrome. Identifiers: Orphanet 140162, MedGen C0027672, MeSH D009386, MONDO:0015356.

Submission:

Ambry Genetics
Classification: Uncertain significance for Hereditary cancer-predisposing syndrome. Last evaluated: 2026-06-14. Review status: criteria provided, single submitter. Criteria: Ambry Variant Classification Scheme 2023. Collection method: clinical testing. Allele origin: germline.
Comment: The p.E198D variant (also known as c.594G>T), located in coding exon 3 of the MSH6 gene, results from a G to T substitution at nucleotide position 594. The glutamic acid at codon 198 is replaced by aspartic acid, an amino acid with highly similar properties. This amino acid position is conserved. In addition, this alteration is predicted to be tolerated by in silico analysis. Based on the available evidence, the clinical significance of this variant remains unclear.